The following is an entry in ClinVar:

ClinVar aggregate classification (germline): Uncertain significance (1 of 4 stars; one submission).

Conditions:
Jeune thoracic dystrophy. Also called: Infantile thoracic dystrophy; Thoracic pelvic phalangeal dystrophy; Jeune's syndrome; Chondroectodermal dysplasia-like syndrome; Short-rib thoracic dysplasia; Jeune syndrome. Identifiers: Orphanet 474, MedGen C0265275, MONDO:0018770.

Allele frequency attached by ClinVar (database versions not stated): gnomAD exomes below 0.00001.
gnomAD v4.1: 1 of 1,604,596 alleles (0.000062%); highest among the groups gnomAD compares: Non-Finnish European, 0.000085%; no homozygotes.

Submission:

Labcorp Genetics (formerly Invitae), Labcorp
Classification: Uncertain significance for Jeune thoracic dystrophy. Last evaluated: 2020-03-20. Review status: criteria provided, single submitter. Criteria: Invitae Variant Classification Sherloc (09022015). Collection method: clinical testing. Allele origin: germline.
Comment: This sequence change replaces aspartic acid with tyrosine at codon 127 of the IFT80 protein (p.Asp127Tyr). The aspartic acid residue is highly conserved and there is a large physicochemical difference between aspartic acid and tyrosine. This variant is not present in population databases (ExAC no frequency). This variant has not been reported in the literature in individuals with IFT80-related conditions. Algorithms developed to predict the effect of missense changes on protein structure and function (SIFT, PolyPhen-2, Align-GVGD) all suggest that this variant is likely to be disruptive, but these predictions have not been confirmed by published functional studies and their clinical significance is uncertain. In summary, the available evidence is currently insufficient to determine the role of this variant in disease. Therefore, it has been classified as a Variant of Uncertain Significance.

NM_020800.3(IFT80):c.379G>T (p.Asp127Tyr)

Genes: IFT80 (intraflagellar transport 80; minus strand), TRIM59-IFT80 (TRIM59-IFT80 readthrough (NMD candidate); minus strand). Cytogenetic location: 3q25.33.
Variant type: single nucleotide variant.
Coding change: c.379G>T on transcript NM_020800.3 (MANE Select); coding-DNA position 379, G replaced by T.
Protein change: p.Asp127Tyr; replaces aspartic acid 127 with tyrosine.
Molecular consequence: missense variant. On other transcripts: non-coding transcript variant (2), 5 prime UTR variant (2).
Genome position (GRCh38, 1-based): chr3:160,375,872, C>A on the plus strand (G>T on the coding strand, the complement: IFT80 is on the minus strand). VCF-style: chr3-160375872-C-A. GRCh37 (hg19) VCF-style: chr3-160093660-C-A.
Other names: c.-33G>T (NM_001190241.2, NM_001190242.2); short protein forms D127Y.
Identifiers: ClinVar variation 1020863 (VCV001020863.8), dbSNP rs1711973722, ClinGen allele CA355194160.